The following is an entry in ClinVar:

NM_021072.4(HCN1):c.74C>A (p.Ala25Glu)

Gene: HCN1 (hyperpolarization activated cyclic nucleotide gated potassium channel 1; minus strand). Cytogenetic location: 5p12.
Variant type: single nucleotide variant.
Coding change: c.74C>A on transcript NM_021072.4 (MANE Select); coding-DNA position 74, C replaced by A.
Protein change: p.Ala25Glu; replaces alanine 25 with glutamic acid.
Molecular consequence: missense variant.
Genome position (GRCh38, 1-based): chr5:45,696,020, G>T on the plus strand (C>A on the coding strand, the complement: HCN1 is on the minus strand). VCF-style: chr5-45696020-G-T. GRCh37 (hg19) VCF-style: chr5-45696122-G-T.
Other names: short protein forms A25E.
Identifiers: ClinVar variation 1033972 (VCV001033972.13), dbSNP rs1469192494, ClinGen allele CA359706797.

ClinVar aggregate classification (germline): Conflicting classifications of pathogenicity. Review status: criteria provided, conflicting classifications (1 of 4 stars). 4 submissions from 4 submitters: Uncertain significance (2); Likely benign (2). Last evaluated 2025-11-12.

Conditions:
Developmental and epileptic encephalopathy, 24 (DEE24). Also called: Epileptic encephalopathy, early infantile, 24. Identifiers: Orphanet 442835, MedGen C4014531, MONDO:0014377, OMIM 615871.
Early-infantile DEE. Also called: Ohtahara syndrome; Early infantile epileptic encephalopathy; Early infantile epileptic encephalopathy with suppression bursts. Identifiers: Orphanet 1934, MedGen C0393706, MONDO:0800491.
Inborn genetic diseases. Identifiers: MedGen C0950123, MeSH D030342.

Allele frequency attached by ClinVar (database versions not stated): gnomAD exomes below 0.00001.
gnomAD v4.1: 5 of 1,311,524 alleles (0.00038%); highest among the groups gnomAD compares: Non-Finnish European, 0.00049%; no homozygotes.

Submissions (4):

Labcorp Genetics (formerly Invitae), Labcorp
Classification: Likely benign for Early-infantile DEE. Last evaluated: 2025-11-12. Review status: criteria provided, single submitter. Criteria: Invitae Variant Classification Sherloc (09022015). Collection method: clinical testing. Allele origin: germline.

Laboratory of Genetics, Children's Clinical University Hospital Latvia
Classification: Likely benign. Last evaluated: 2025-02-16. Review status: criteria provided, single submitter. Criteria: ACMG Guidelines, 2015. Collection method: clinical testing. Allele origin: germline. Affected: yes.

Ambry Genetics
Classification: Uncertain significance for Inborn genetic diseases. Last evaluated: 2024-11-27. Review status: criteria provided, single submitter. Criteria: Ambry Variant Classification Scheme 2023. Collection method: clinical testing. Allele origin: germline.

Baylor Genetics
Classification: Uncertain significance for Developmental and epileptic encephalopathy, 24. Last evaluated: 2018-01-25. Review status: criteria provided, single submitter. Criteria: ACMG Guidelines, 2015. Collection method: clinical testing. Allele origin: maternal. Affected: yes.
Comment: This variant was determined to be of uncertain significance according to ACMG Guidelines, 2015 [PMID:25741868].